The following is an entry in ClinVar:

NM_020911.2(PLXNA4):c.886G>T (p.Val296Leu)

Gene: PLXNA4 (plexin A4; minus strand). Cytogenetic location: 7q32.3.
Variant type: single nucleotide variant.
Coding change: c.886G>T on transcript NM_020911.2 (MANE Select); coding-DNA position 886, G replaced by T.
Protein change: p.Val296Leu; replaces valine 296 with leucine.
Molecular consequence: missense variant.
Genome position (GRCh38, 1-based): chr7:132,507,808, C>A on the plus strand (G>T on the coding strand, the complement: PLXNA4 is on the minus strand). VCF-style: chr7-132507808-C-A. GRCh37 (hg19) VCF-style: chr7-132192567-C-A.
Other names: c.886G>T, p.Val296Leu (NM_001105543.2, NM_001393897.1, NM_181775.4); short protein forms V296L.
Identifiers: ClinVar variation 3351997 (VCV003351997.2).
Genomic context (GRCh38, chr7:132,507,808, plus strand): 5'-ACAGGTAGGCAGCCTGCAGCAGGCGGTACTCCACCCCACTGCGCTCACAGCCAATGGGCA[C>A]CTCTACATAGGAGTTGAAGGCTGTGTCCTCCTTGCAAAGCCTCACGAGCTTGGATGTATA-3'
Protein context (NP_065962.1, residues 286-306): EDTAFNSYVE[Val296Leu]PIGCERSGVE

ClinVar aggregate classification (germline): Uncertain significance. Review status: criteria provided, single submitter (1 of 4 stars). 2 submissions from 2 submitters: Uncertain significance (1). 1 of the submissions does not count toward it. Last evaluated 2025-08-24.

Conditions:
PLXNA4-related disorder. Also called: PLXNA4-related condition.

gnomAD v4.1: 20 of 1,614,038 alleles (0.0012%); highest among the groups gnomAD compares: Admixed American, 0.033%; no homozygotes.

Submissions (2):

Ambry Genetics
Classification: Uncertain significance. Last evaluated: 2025-08-24. Review status: criteria provided, single submitter. Criteria: Ambry Variant Classification Scheme 2023. Collection method: clinical testing. Allele origin: germline.

PreventionGenetics, part of Exact Sciences
Classification: Uncertain significance for PLXNA4-related condition. Last evaluated: 2024-05-10. Review status: no assertion criteria provided. Collection method: clinical testing. Allele origin: germline. Not counted in ClinVar's aggregate classification.
Comment: The PLXNA4 c.886G>T variant is predicted to result in the amino acid substitution p.Val296Leu. To our knowledge, this variant has not been reported in the literature. This variant is reported in 0.040% of alleles in individuals of Latino descent in gnomAD. At this time, the clinical significance of this variant is uncertain due to the absence of conclusive functional and genetic evidence.